The following is an entry in ClinVar:

ClinVar aggregate classification (germline): Benign (0 of 4 stars; one submission).

Conditions:
MUC16-related disorder. Also called: MUC16-related condition.

Allele frequency attached by ClinVar (database versions not stated): gnomAD exomes 0.00239; ExAC 0.00743; ESP Exome Variant Server 0.02267; gnomAD 0.02352; TOPMed 0.02741; 1000 Genomes Project 0.03375; 1000 Genomes Project 30x 0.03435.

Submission:

PreventionGenetics, part of Exact Sciences
Classification: Benign for MUC16-related condition. Last evaluated: 2019-05-01. Review status: no assertion criteria provided. Collection method: clinical testing. Allele origin: germline.
Comment: This variant is classified as benign based on ACMG/AMP sequence variant interpretation guidelines (Richards et al. 2015 PMID: 25741868, with internal and published modifications).

NM_001401501.2(MUC16):c.38339G>A (p.Cys12780Tyr)

Gene: MUC16 (mucin 16, cell surface associated; minus strand). Cytogenetic location: 19p13.2.
Variant type: single nucleotide variant.
Coding change: c.38339G>A on transcript NM_001401501.2 (MANE Select); coding-DNA position 38339, G replaced by A.
Protein change: p.Cys12780Tyr; replaces cysteine 12780 with tyrosine.
Molecular consequence: missense variant.
Genome position (GRCh38, 1-based): chr19:8,904,994, C>T on the plus strand (G>A on the coding strand, the complement: MUC16 is on the minus strand). VCF-style: chr19-8904994-C-T. GRCh37 (hg19) VCF-style: chr19-9015670-C-T.
Other names: c.38765G>A, p.Cys12922Tyr (NM_001414686.1); c.38219G>A, p.Cys12740Tyr (NM_001414687.1); c.38153G>A, p.Cys12718Tyr (NM_024690.2); short protein forms C12718Y, C12740Y, C12780Y, C12922Y.
Identifiers: ClinVar variation 3037656 (VCV003037656.2), dbSNP rs115891496, ClinGen allele CA9164732.